The following is an entry in ClinVar:

NM_000396.4(CTSK):c.1A>G (p.Met1Val)

Gene: CTSK (cathepsin K; minus strand). Cytogenetic location: 1q21.3.
Variant type: single nucleotide variant.
Coding change: c.1A>G on transcript NM_000396.4 (MANE Select); coding-DNA position 1, A replaced by G.
Protein change: p.Met1Val; changes the start codon (methionine 1).
Molecular consequence: missense variant, initiator codon variant.
Genome position (GRCh38, 1-based): chr1:150,806,805, T>C on the plus strand (A>G on the coding strand, the complement: CTSK is on the minus strand). VCF-style: chr1-150806805-T-C. GRCh37 (hg19) VCF-style: chr1-150779281-T-C.
Other names: short protein forms M1V.
Identifiers: ClinVar variation 2017244 (VCV002017244.5), dbSNP rs2525180749, ClinGen allele CA342337785.

ClinVar aggregate classification (germline): Pathogenic (1 of 4 stars; one submission).

Allele frequency attached by ClinVar (database versions not stated): gnomAD exomes below 0.00001.

Submission:

Labcorp Genetics (formerly Invitae), Labcorp
Classification: Pathogenic. Last evaluated: 2022-07-15. Review status: criteria provided, single submitter. Criteria: Invitae Variant Classification Sherloc (09022015). Collection method: clinical testing. Allele origin: germline.
Comment: This sequence change affects the initiator methionine of the CTSK mRNA. The next in-frame methionine is located at codon 75. This variant is not present in population databases (gnomAD no frequency). Disruption of the initiator codon has been observed in individual(s) with pycnodysostosis (PMID: 24767306). This variant disrupts a region of the CTSK protein in which other variant(s) (p.Arg46Gln) have been determined to be pathogenic (PMID: 17206399, 24269275, 27092432). This suggests that this is a clinically significant region of the protein, and that variants that disrupt it are likely to be disease-causing. For these reasons, this variant has been classified as Pathogenic.

Literature cited by the submitters: PubMed 24767306; PubMed 17206399; PubMed 24269275; PubMed 27092432.